The following is an entry in ClinVar:

NM_006828.4(ASCC3):c.5996T>C (p.Leu1999Pro)

Gene: ASCC3 (activating signal cointegrator 1 complex subunit 3; minus strand). Cytogenetic location: 6q16.3.
Variant type: single nucleotide variant.
Coding change: c.5996T>C on transcript NM_006828.4 (MANE Select); coding-DNA position 5996, T replaced by C.
Protein change: p.Leu1999Pro; replaces leucine 1999 with proline.
Molecular consequence: missense variant.
Genome position (GRCh38, 1-based): chr6:100,516,259, A>G on the plus strand (T>C on the coding strand, the complement: ASCC3 is on the minus strand). VCF-style: chr6-100516259-A-G. GRCh37 (hg19) VCF-style: chr6-100964135-A-G.
Other names: short protein forms L1999P.
Identifiers: ClinVar variation 2691853 (VCV002691853.5), dbSNP rs1332043274, ClinGen allele CA365118587.

ClinVar aggregate classification (germline): Conflicting classifications of pathogenicity. Review status: criteria provided, conflicting classifications (1 of 4 stars). 2 submissions from 1 submitter: Likely pathogenic (1); Uncertain significance (1). Last evaluated 2023-12-05.

Conditions:
Intellectual developmental disorder, autosomal recessive 81 (MRT81). Identifiers: MedGen C5882758, MONDO:0958204, OMIM 620700.
ASCC3-associated disorder.

Allele frequency attached by ClinVar (database versions not stated): TOPMed below 0.00001; gnomAD 0.00001.
gnomAD v4.1: 1 of 1,613,704 alleles (0.000062%); highest among the groups gnomAD compares: Non-Finnish European, 0.000085%; no homozygotes.

Submissions (2):

Institute of Human Genetics, University of Leipzig Medical Center
Classification: Uncertain significance for ASCC3-associated disorder. Last evaluated: 2023-12-05. Review status: criteria provided, single submitter. Criteria: ACMG Guidelines, 2015. Collection method: clinical testing. Allele origin: unknown. Inheritance: Autosomal recessive inheritance. Affected: yes.
Comment: Criteria applied: PM2_SUP,PP3

Institute of Human Genetics, University of Leipzig Medical Center
Classification: Likely pathogenic for Intellectual developmental disorder, autosomal recessive 81. Last evaluated: 2023-12-05. Review status: criteria provided, single submitter. Criteria: ACMG Guidelines, 2015. Collection method: clinical testing. Allele origin: maternal. Inheritance: Autosomal recessive inheritance. Affected: yes.
Comment: Criteria applied: PM2,PM3,PP2,PP3

Literature cited by the submitters: PubMed 35047834.